The following is an entry in ClinVar:

ClinVar aggregate classification (germline): Likely benign (1 of 4 stars; one submission).

Submission:

Women's Health and Genetics/Laboratory Corporation of America, LabCorp
Classification: Likely benign. Last evaluated: 2025-03-27. Review status: criteria provided, single submitter. Criteria: LabCorp Variant Classification Summary - May 2015. Collection method: clinical testing. Allele origin: germline.
Comment: Variant summary: BRCA2 c.1155G>A alters a conserved nucleotide resulting in a synonymous change. Consensus agreement among computation tools predict no significant impact on normal splicing. However, these predictions have yet to be confirmed by functional studies. The variant was absent in 250168 control chromosomes. The available data on variant occurrences in the general population are insufficient to allow any conclusion about variant significance. To our knowledge, no occurrence of c.1155G>A in individuals affected with Hereditary Breast And Ovarian Cancer Syndrome and no experimental evidence demonstrating its impact on protein function have been reported. No submitters have cited clinical-significance assessments for this variant to ClinVar. Based on the evidence outlined above, the variant was classified as likely benign.

NM_000059.4(BRCA2):c.1155G>A (p.Lys385=)

Gene: BRCA2 (BRCA2 DNA repair associated; plus strand). Cytogenetic location: 13q13.1.
Variant type: single nucleotide variant.
Coding change: c.1155G>A on transcript NM_000059.4 (MANE Select); coding-DNA position 1155, G replaced by A.
Protein change: p.Lys385=; no amino-acid change (lysine 385 retained).
Molecular consequence: synonymous variant. On other transcripts: non-coding transcript variant (1), intron variant (1).
Genome position (GRCh38, 1-based): chr13:32,332,633, G>A. VCF-style: chr13-32332633-G-A. GRCh37 (hg19) VCF-style: chr13-32906770-G-A.
Other names: c.1155G>A, p.Lys385= (NM_001406719.1, NM_001406720.1, NM_001406721.1 and 1 more transcripts); c.424+1603G>A (NM_001406722.1).
Identifiers: ClinVar variation 3895900 (VCV003895900.1).